The following is an entry in ClinVar:

ClinVar aggregate classification (germline): Uncertain significance (1 of 4 stars; one submission).

Conditions:
Emery-Dreifuss muscular dystrophy 4, autosomal dominant (EDMD4). Also called: EMERY-DREIFUSS MUSCULAR DYSTROPHY 4 WITH VARIABLE FEATURES. Identifiers: Orphanet 261, MedGen C2751807, MONDO:0013071, OMIM 612998.
Autosomal recessive ataxia, Beauce type. Also called: Spinocerebellar ataxia, autosomal recessive 8; ATAXIA, RECESSIVE, OF BEAUCE; SYNE1 Deficiency; SYNE1-Related Autosomal Recessive Cerebellar Ataxia. Identifiers: Orphanet 88644, MedGen C1853116, MONDO:0012549, OMIM 610743.

gnomAD v4.1: 4 of 1,614,228 alleles (0.00025%); highest among the groups gnomAD compares: Non-Finnish European, 0.00034%; no homozygotes.

Submission:

Labcorp Genetics (formerly Invitae), Labcorp
Classification: Uncertain significance for Emery-Dreifuss muscular dystrophy 4, autosomal dominant; Autosomal recessive ataxia, Beauce type. Last evaluated: 2025-08-02. Review status: criteria provided, single submitter. Criteria: Invitae Variant Classification Sherloc (09022015). Collection method: clinical testing. Allele origin: germline.
Comment: This sequence change replaces serine, which is neutral and polar, with asparagine, which is neutral and polar, at codon 3658 of the SYNE1 protein (p.Ser3658Asn). This variant is not present in population databases (gnomAD no frequency). This variant has not been reported in the literature in individuals affected with SYNE1-related conditions. An algorithm developed to predict the effect of missense changes on protein structure and function (PolyPhen-2) suggests that this variant is likely to be disruptive. In summary, the available evidence is currently insufficient to determine the role of this variant in disease. Therefore, it has been classified as a Variant of Uncertain Significance.

NM_182961.4(SYNE1):c.11018G>A (p.Ser3673Asn)

Gene: SYNE1 (spectrin repeat containing nuclear envelope protein 1; minus strand). Cytogenetic location: 6q25.2.
Variant type: single nucleotide variant.
Coding change: c.11018G>A on transcript NM_182961.4 (MANE Select); coding-DNA position 11018, G replaced by A.
Protein change: p.Ser3673Asn; replaces serine 3673 with asparagine.
Molecular consequence: missense variant.
Genome position (GRCh38, 1-based): chr6:152,353,653, C>T on the plus strand (G>A on the coding strand, the complement: SYNE1 is on the minus strand). VCF-style: chr6-152353653-C-T. GRCh37 (hg19) VCF-style: chr6-152674788-C-T.
Other names: c.10973G>A, p.Ser3658Asn (NM_033071.5); short protein forms S3673N, S3658N.
Identifiers: ClinVar variation 4794180 (VCV004794180.1).